The following is an entry in ClinVar:

NM_024422.6(DSC2):c.2509-118A>G

Gene: DSC2 (desmocollin 2; minus strand). Cytogenetic location: 18q12.1.
Variant type: single nucleotide variant.
Coding change: c.2509-118A>G on transcript NM_024422.6 (MANE Select); 118 bases into the intron before coding-DNA position 2509, A replaced by G.
Molecular consequence: intron variant. On other transcripts: synonymous variant (1).
Genome position (GRCh38, 1-based): chr18:31,068,330, T>C on the plus strand (A>G on the coding strand, the complement: DSC2 is on the minus strand). VCF-style: chr18-31068330-T-C. GRCh37 (hg19) VCF-style: chr18-28648296-T-C.
Other names: c.2523A>G, p.Gly841= (NM_004949.5).
Identifiers: ClinVar variation 388405 (VCV000388405.1), dbSNP rs137934790, ClinGen allele CA037453.

ClinVar aggregate classification (germline): Likely benign (1 of 4 stars; one submission).

Allele frequency attached by ClinVar (database versions not stated): gnomAD exomes below 0.00001 and 0.00001; ExAC 0.00002; gnomAD 0.00003; TOPMed 0.00003; ESP Exome Variant Server 0.00008; 1000 Genomes Project 30x 0.00016; 1000 Genomes Project 0.00020.
gnomAD v4.1: 6 of 1,613,212 alleles (0.00037%); highest among the groups gnomAD compares: African/African-American, 0.008%; no homozygotes.

Submission:

GeneDx
Classification: Likely benign. Last evaluated: 2016-08-08. Review status: criteria provided, single submitter. Criteria: GeneDx Variant Classification (06012015). Collection method: clinical testing. Allele origin: germline. Affected: yes.
Comment: This variant is considered likely benign or benign based on one or more of the following criteria: it is a conservative change, it occurs at a poorly conserved position in the protein, it is predicted to be benign by multiple in silico algorithms, and/or has population frequency not consistent with disease.